The following is an entry in ClinVar:

NM_001081550.2(THOC2):c.2992C>T (p.Arg998Cys)

Gene: THOC2 (THO complex subunit 2; minus strand). Cytogenetic location: Xq25.
Variant type: single nucleotide variant.
Coding change: c.2992C>T on transcript NM_001081550.2 (MANE Select); coding-DNA position 2992, C replaced by T.
Protein change: p.Arg998Cys; replaces arginine 998 with cysteine.
Molecular consequence: missense variant.
Genome position (GRCh38, 1-based): chrX:123,625,977, G>A on the plus strand (C>T on the coding strand, the complement: THOC2 is on the minus strand). VCF-style: chrX-123625977-G-A. GRCh37 (hg19) VCF-style: chrX-122759828-G-A.
Other names: short protein forms R998C.
Identifiers: ClinVar variation 2429095 (VCV002429095.4), dbSNP rs2521043568, ClinGen allele CA414265751.

ClinVar aggregate classification (germline): Uncertain significance (1 of 4 stars; one submission).

Allele frequency attached by ClinVar (database versions not stated): gnomAD exomes below 0.00001.
gnomAD v4.1: 1 of 1,207,881 alleles (0.000083%); highest among the groups gnomAD compares: Non-Finnish European, 0.00011%; no homozygotes.

Submission:

Greenwood Genetic Center Diagnostic Laboratories, Greenwood Genetic Center
Classification: Uncertain significance. Last evaluated: 2022-11-07. Review status: criteria provided, single submitter. Criteria: ACMG Guidelines, 2015. Collection method: clinical testing. Allele origin: germline. Affected: yes.
Comment: PM2